The following is an entry in ClinVar:

NM_001242896.3(DEPDC5):c.946+10G>C

Gene: DEPDC5 (DEP domain containing 5, GATOR1 subcomplex subunit; plus strand). Cytogenetic location: 22q12.2.
Variant type: single nucleotide variant.
Coding change: c.946+10G>C on transcript NM_001242896.3 (MANE Select); 10 bases into the intron after coding-DNA position 946, G replaced by C.
Molecular consequence: intron variant.
Genome position (GRCh38, 1-based): chr22:31,798,666, G>C. VCF-style: chr22-31798666-G-C. GRCh37 (hg19) VCF-style: chr22-32194652-G-C.
Other names: c.946+10G>C (NM_001364318.2, NM_001136029.4, NM_014662.6 and 7 more transcripts); c.862+10G>C (NM_001369902.1, NM_001369901.1).
Identifiers: ClinVar variation 466499 (VCV000466499.15), dbSNP rs367917127, ClinGen allele CA10196162.

ClinVar aggregate classification (germline): Likely benign. Review status: criteria provided, multiple submitters, no conflicts (2 of 4 stars). 4 submissions from 4 submitters: Likely benign (3). 1 of the submissions does not count toward it. Last evaluated 2025-11-16.

Conditions:
DEPDC5-related disorder. Also called: DEPDC5-related condition; DEPDC5-related related disorder.
Familial focal epilepsy with variable foci (FPEVF). Identifiers: Orphanet 98820, MedGen C1858477, MONDO:0020310.

Allele frequency attached by ClinVar (database versions not stated): ExAC 0.00008; ESP Exome Variant Server 0.00008; TOPMed 0.00009; gnomAD 0.00010 and 0.00011; gnomAD exomes 0.00010 and 0.00011.
gnomAD v4.1: 179 of 1,609,294 alleles (0.011%); highest among the groups gnomAD compares: Admixed American, 0.017%; no homozygotes.

Submissions (4):

Labcorp Genetics (formerly Invitae), Labcorp
Classification: Likely benign for Familial focal epilepsy with variable foci. Last evaluated: 2025-11-16. Review status: criteria provided, single submitter. Criteria: Invitae Variant Classification Sherloc (09022015). Collection method: clinical testing. Allele origin: germline.

Blueprint Genetics
Classification: Likely benign. Last evaluated: 2024-09-16. Review status: criteria provided, single submitter. Criteria: ACMG Guidelines, 2015. Collection method: clinical testing. Allele origin: germline.

Breakthrough Genomics
Classification: Likely benign. Review status: criteria provided, single submitter. Criteria: ACMG Guidelines, 2015. Collection method: not provided. Allele origin: germline. Inheritance: Autosomal dominant inheritance. Affected: yes.

PreventionGenetics, part of Exact Sciences
Classification: Likely benign for DEPDC5-related condition. Last evaluated: 2019-05-10. Review status: no assertion criteria provided. Collection method: clinical testing. Allele origin: germline. Not counted in ClinVar's aggregate classification.
Comment: This variant is classified as likely benign based on ACMG/AMP sequence variant interpretation guidelines (Richards et al. 2015 PMID: 25741868, with internal and published modifications).